The following is an entry in ClinVar:

ClinVar aggregate classification (germline): Uncertain significance (1 of 4 stars; one submission).

Conditions:
Renal cysts and diabetes syndrome (RCAD). Also called: MATURITY-ONSET DIABETES OF THE YOUNG, TYPE 5; Familial hypoplastic, glomerulocystic kidney. Identifiers: Orphanet 93111, MedGen C0431693, MONDO:0007669, OMIM 137920.

Submission:

MVZ Medizinische Genetik Mainz
Classification: Uncertain significance for Renal cysts and diabetes syndrome. Last evaluated: 2026-04-23. Review status: criteria provided, single submitter. Criteria: UK Practice Guidelines For Variant Classification V4 01 2020. Collection method: clinical testing. Allele origin: germline. Inheritance: Autosomal dominant inheritance. Affected: yes. Observed: 1 variant allele.
Comment: ACMG Criteria: PM2_SUP,PP3

NM_000458.4(HNF1B):c.1412C>T (p.Pro471Leu)

Gene: HNF1B (HNF1 homeobox B; minus strand). Cytogenetic location: 17q12.
Variant type: single nucleotide variant.
Coding change: c.1412C>T on transcript NM_000458.4 (MANE Select); coding-DNA position 1412, C replaced by T.
Protein change: p.Pro471Leu; replaces proline 471 with leucine.
Molecular consequence: missense variant. On other transcripts: intron variant (1).
Genome position (GRCh38, 1-based): chr17:37,701,105, G>A on the plus strand (C>T on the coding strand, the complement: HNF1B is on the minus strand). VCF-style: chr17-37701105-G-A. GRCh37 (hg19) VCF-style: chr17-36061110-G-A.
Other names: c.1334C>T, p.Pro445Leu (NM_001165923.4); c.1412C>T, p.Pro471Leu (NM_001411100.1); c.1261+3812C>T (NM_001304286.2); short protein forms P445L, P471L.
Identifiers: ClinVar variation 4852391 (VCV004852391.1).